The following is an entry in ClinVar:

NM_003482.4(KMT2D):c.6633G>T (p.Met2211Ile)

Gene: KMT2D (lysine methyltransferase 2D; minus strand). Cytogenetic location: 12q13.12.
Variant type: single nucleotide variant.
Coding change: c.6633G>T on transcript NM_003482.4 (MANE Select); coding-DNA position 6633, G replaced by T.
Protein change: p.Met2211Ile; replaces methionine 2211 with isoleucine.
Molecular consequence: missense variant.
Genome position (GRCh38, 1-based): chr12:49,041,137, C>A on the plus strand (G>T on the coding strand, the complement: KMT2D is on the minus strand). VCF-style: chr12-49041137-C-A. GRCh37 (hg19) VCF-style: chr12-49434920-C-A.
Other names: short protein forms M2211I.
Identifiers: ClinVar variation 3684748 (VCV003684748.3).

ClinVar aggregate classification (germline): Uncertain significance. Review status: criteria provided, multiple submitters, no conflicts (2 of 4 stars). 2 submissions from 2 submitters: Uncertain significance (2). Last evaluated 2026-09-09.

Conditions:
Kabuki syndrome. Also called: NIIKAWA-KUROKI SYNDROME; Kabuki make-up syndrome. Identifiers: Orphanet 2322, MedGen C0796004, MONDO:0016512.
Inborn genetic diseases. Identifiers: MedGen C0950123, MeSH D030342.

Submissions (2):

Ambry Genetics
Classification: Uncertain significance for Inborn genetic diseases. Last evaluated: 2026-09-09. Review status: criteria provided, single submitter. Criteria: Ambry Variant Classification Scheme 2023. Collection method: clinical testing. Allele origin: germline.

Labcorp Genetics (formerly Invitae), Labcorp
Classification: Uncertain significance for Kabuki syndrome. Last evaluated: 2025-04-21. Review status: criteria provided, single submitter. Criteria: Invitae Variant Classification Sherloc (09022015). Collection method: clinical testing. Allele origin: germline.
Comment: This sequence change replaces methionine, which is neutral and non-polar, with isoleucine, which is neutral and non-polar, at codon 2211 of the KMT2D protein (p.Met2211Ile). This variant is not present in population databases (gnomAD no frequency). This variant has not been reported in the literature in individuals affected with KMT2D-related conditions. ClinVar contains an entry for this variant (Variation ID: 3684748). Invitae Evidence Modeling of protein sequence and biophysical properties (such as structural, functional, and spatial information, amino acid conservation, physicochemical variation, residue mobility, and thermodynamic stability) indicates that this missense variant is not expected to disrupt KMT2D protein function with a negative predictive value of 95%. In summary, the available evidence is currently insufficient to determine the role of this variant in disease. Therefore, it has been classified as a Variant of Uncertain Significance.